The following is an entry in ClinVar:

ClinVar aggregate classification (germline): Uncertain significance (1 of 4 stars; one submission).

gnomAD v4.1: 11 of 1,611,596 alleles (0.00068%); highest among the groups gnomAD compares: East Asian, 0.0022%; no homozygotes.

Submission:

Labcorp Genetics (formerly Invitae), Labcorp
Classification: Uncertain significance. Last evaluated: 2022-05-12. Review status: criteria provided, single submitter. Criteria: Invitae Variant Classification Sherloc (09022015). Collection method: clinical testing. Allele origin: germline.
Comment: This sequence change replaces arginine, which is basic and polar, with cysteine, which is neutral and slightly polar, at codon 460 of the CDK5RAP2 protein (p.Arg460Cys). This variant is present in population databases (no rsID available, gnomAD 0.003%). In summary, the available evidence is currently insufficient to determine the role of this variant in disease. Therefore, it has been classified as a Variant of Uncertain Significance. Algorithms developed to predict the effect of missense changes on protein structure and function output the following: SIFT: "Tolerated"; PolyPhen-2: "Possibly Damaging"; Align-GVGD: "Class C0". The cysteine amino acid residue is found in multiple mammalian species, which suggests that this missense change does not adversely affect protein function. This variant has not been reported in the literature in individuals affected with CDK5RAP2-related conditions.

NM_018249.6(CDK5RAP2):c.1378C>T (p.Arg460Cys)

Gene: CDK5RAP2 (CDK5 regulatory subunit associated protein 2; minus strand). Cytogenetic location: 9q33.2.
Variant type: single nucleotide variant.
Coding change: c.1378C>T on transcript NM_018249.6 (MANE Select); coding-DNA position 1378, C replaced by T.
Protein change: p.Arg460Cys; replaces arginine 460 with cysteine.
Molecular consequence: missense variant. On other transcripts: non-coding transcript variant (5).
Genome position (GRCh38, 1-based): chr9:120,491,411, G>A on the plus strand (C>T on the coding strand, the complement: CDK5RAP2 is on the minus strand). VCF-style: chr9-120491411-G-A. GRCh37 (hg19) VCF-style: chr9-123253689-G-A.
Other names: c.1378C>T, p.Arg460Cys (NM_001011649.3, NM_001272039.2, NM_001410992.1 and 2 more transcripts); short protein forms R460C.
Identifiers: ClinVar variation 1941873 (VCV001941873.5), dbSNP rs772594162, ClinGen allele CA374715140.